The following is an entry in ClinVar:

ClinVar aggregate classification (germline): Benign. Review status: criteria provided, multiple submitters, no conflicts (2 of 4 stars). 13 submissions from 13 submitters: Benign (10). 3 of the submissions do not count toward it. Last evaluated 2026-02-04.

Conditions:
Autosomal recessive early-onset Parkinson disease 6 (PARK6). Also called: PINK1-Related Parkinson Disease; PARKINSON DISEASE 6, EARLY-ONSET; PINK1 Type of Young-Onset Parkinson Disease; PARKINSON DISEASE 6, MODIFIER OF. Identifiers: Orphanet 2828, MedGen C1853833, MONDO:0011613, OMIM 605909.

Allele frequency attached by ClinVar (database versions not stated): 1000 Genomes Project 30x 0.81949; 1000 Genomes Project 0.82188; TOPMed 0.82881; gnomAD 0.83839 and 0.84000; ESP Exome Variant Server 0.84338; gnomAD exomes 0.86171 and 0.87211; ExAC 0.86228.
gnomAD v4.1: 1,402,175 of 1,613,594 alleles (87%); highest among the groups gnomAD compares: Middle Eastern, 91%; 610,562 homozygotes.

Submissions (13):

Labcorp Genetics (formerly Invitae), Labcorp
Classification: Benign for Autosomal recessive early-onset Parkinson disease 6. Last evaluated: 2026-02-04. Review status: criteria provided, single submitter. Criteria: Invitae Variant Classification Sherloc (09022015). Collection method: clinical testing. Allele origin: germline.

Blueprint Genetics
Classification: Benign. Last evaluated: 2024-11-26. Review status: criteria provided, single submitter. Criteria: ACMG Guidelines, 2015. Collection method: clinical testing. Allele origin: germline.

Unidad de Genómica Garrahan, Hospital de Pediatría Garrahan
Classification: Benign. Last evaluated: 2024-07-31. Review status: criteria provided, single submitter. Criteria: ACMG Guidelines, 2015. Collection method: clinical testing. Allele origin: germline. Affected: no. Observed: 88 variant alleles.
Comment: This variant is classified as Benign based on local population frequency. This variant was detected in 95% of patients studied in a panel designed for Epileptic and Developmental Encephalopathy, Progressive Myoclonus Epilepsy and Abnormal Movements and Neurodegeneration with brain iron accumulation. Number of patients: 88. Only high quality variants are reported.

Mayo Clinic Laboratories, Mayo Clinic
Classification: Benign. Last evaluated: 2022-03-24. Review status: criteria provided, single submitter. Criteria: ACMG Guidelines, 2015. Collection method: clinical testing. Allele origin: germline. Observed: 620 variant alleles.

Genome-Nilou Lab
Classification: Benign for Autosomal recessive early-onset Parkinson disease 6. Last evaluated: 2021-09-05. Review status: criteria provided, single submitter. Criteria: ACMG Guidelines, 2015. Collection method: clinical testing. Allele origin: germline. Affected: no.

Athena Diagnostics
Classification: Benign. Last evaluated: 2019-03-08. Review status: criteria provided, single submitter. Criteria: Athena Diagnostics Criteria. Collection method: clinical testing. Allele origin: germline.

GeneDx
Classification: Benign. Last evaluated: 2018-07-05. Review status: criteria provided, single submitter. Criteria: GeneDx Variant Classification Process June 2021. Collection method: clinical testing. Allele origin: germline. Affected: yes.

Illumina Laboratory Services, Illumina
Classification: Benign for Autosomal recessive early-onset Parkinson disease 6. Last evaluated: 2018-01-12. Review status: criteria provided, single submitter. Criteria: ICSL Variant Classification Criteria 13 December 2019. Collection method: clinical testing. Allele origin: germline.
Comment: This variant was observed in the ICSL laboratory as part of a predisposition screen in an ostensibly healthy population. It had not been previously curated by ICSL or reported in the Human Gene Mutation Database (HGMD: prior to June 1st, 2018), and was therefore a candidate for classification through an automated scoring system. Utilizing variant allele frequency, disease prevalence and penetrance estimates, and inheritance mode, an automated score was calculated to assess if this variant is too frequent to cause the disease. Based on the score and internal cut-off values, a variant classified as benign is not then subjected to further curation. The score for this variant resulted in a classification of benign for this disease.

Breakthrough Genomics
Classification: Benign. Review status: criteria provided, single submitter. Criteria: ACMG Guidelines, 2015. Collection method: not provided. Allele origin: germline. Inheritance: Autosomal recessive inheritance. Affected: yes.

PreventionGenetics, part of Exact Sciences
Classification: Benign. Review status: criteria provided, single submitter. Criteria: ACMG Guidelines, 2015. Collection method: clinical testing. Allele origin: germline.

Diagnostic Laboratory, Department of Genetics, University Medical Center Groningen
Classification: Benign. Review status: no assertion criteria provided. Collection method: clinical testing. Allele origin: germline. Affected: yes. Study: VKGL Data-share Consensus. Not counted in ClinVar's aggregate classification.

Genome Diagnostics Laboratory, Amsterdam University Medical Center
Classification: Benign. Review status: no assertion criteria provided. Collection method: clinical testing. Allele origin: germline. Affected: yes. Study: VKGL Data-share Consensus. Not counted in ClinVar's aggregate classification.

Joint Genome Diagnostic Labs from Nijmegen and Maastricht, Radboudumc and MUMC+
Classification: Benign. Review status: no assertion criteria provided. Collection method: clinical testing. Allele origin: germline. Affected: yes. Study: VKGL Data-share Consensus. Not counted in ClinVar's aggregate classification.

NM_032409.3(PINK1):c.388-7A>G

Gene: PINK1 (PTEN induced kinase 1; plus strand). Cytogenetic location: 1p36.12.
Variant type: single nucleotide variant.
Coding change: c.388-7A>G on transcript NM_032409.3 (MANE Select); 7 bases into the intron before coding-DNA position 388, A replaced by G.
Molecular consequence: intron variant.
Genome position (GRCh38, 1-based): chr1:20,637,835, A>G. VCF-style: chr1-20637835-A-G. GRCh37 (hg19) VCF-style: chr1-20964328-A-G.
Other names: p.?.
Identifiers: ClinVar variation 262027 (VCV000262027.31), dbSNP rs2298298, ClinGen allele CA660409.